The following is an entry in ClinVar:

NM_006790.3(MYOT):c.1113G>C (p.Gln371His)

Genes: MYOT (myotilin; plus strand), PKD2L2-DT (PKD2L2 divergent transcript; minus strand). Cytogenetic location: 5q31.2.
Variant type: single nucleotide variant.
Coding change: c.1113G>C on transcript NM_006790.3 (MANE Select); coding-DNA position 1113, G replaced by C.
Protein change: p.Gln371His; replaces glutamine 371 with histidine.
Molecular consequence: missense variant.
Genome position (GRCh38, 1-based): chr5:137,886,136, G>C. VCF-style: chr5-137886136-G-C. GRCh37 (hg19) VCF-style: chr5-137221825-G-C.
Other names: c.561G>C, p.Gln187His (NM_001135940.2); c.768G>C, p.Gln256His (NM_001300911.2); short protein forms Q187H, Q256H, Q371H.
Identifiers: ClinVar variation 2141282 (VCV002141282.5), dbSNP rs1755593969, ClinGen allele CA361056166.

ClinVar aggregate classification (germline): Uncertain significance. Review status: criteria provided, multiple submitters, no conflicts (2 of 4 stars). 2 submissions from 2 submitters: Uncertain significance (2). Last evaluated 2025-04-01.

Conditions:
Inborn genetic diseases. Identifiers: MedGen C0950123, MeSH D030342.
Myofibrillar myopathy 3 (MFM3). Also called: Muscular dystrophy, proximal, type 1A; Autosomal dominant spheroid body myopathy. Identifiers: Orphanet 266, Orphanet 268129, MedGen C3714934, MONDO:0012215, OMIM 609200.

Submissions (2):

Ambry Genetics
Classification: Uncertain significance for Inborn genetic diseases. Last evaluated: 2025-04-01. Review status: criteria provided, single submitter. Criteria: Ambry Variant Classification Scheme 2023. Collection method: clinical testing. Allele origin: germline.

Labcorp Genetics (formerly Invitae), Labcorp
Classification: Uncertain significance for Myofibrillar myopathy 3. Last evaluated: 2022-05-20. Review status: criteria provided, single submitter. Criteria: Invitae Variant Classification Sherloc (09022015). Collection method: clinical testing. Allele origin: germline.
Comment: This variant is not present in population databases (gnomAD no frequency). In summary, the available evidence is currently insufficient to determine the role of this variant in disease. Therefore, it has been classified as a Variant of Uncertain Significance. Algorithms developed to predict the effect of missense changes on protein structure and function are either unavailable or do not agree on the potential impact of this missense change (SIFT: "Tolerated"; PolyPhen-2: "Probably Damaging"; Align-GVGD: "Class C0"). This variant has not been reported in the literature in individuals affected with MYOT-related conditions. This sequence change replaces glutamine, which is neutral and polar, with histidine, which is basic and polar, at codon 371 of the MYOT protein (p.Gln371His).